The following is an entry in ClinVar:

ClinVar aggregate classification (germline): Pathogenic (1 of 4 stars; one submission).

Conditions:
Pierpont syndrome (PRPTS). Identifiers: Orphanet 487825, MedGen C1865644, MONDO:0011213, OMIM 602342.

Submission:

Labcorp Genetics (formerly Invitae), Labcorp
Classification: Pathogenic for Pierpont syndrome. Last evaluated: 2019-07-05. Review status: criteria provided, single submitter. Criteria: Invitae Variant Classification Sherloc (09022015). Collection method: clinical testing. Allele origin: germline.
Comment: For these reasons, this variant has been classified as Pathogenic. Loss-of-function variants in TBL1XR1 are known to be pathogenic (PMID: 23160955, 26740553, 27824329). This variant is not present in population databases (ExAC no frequency). This sequence change creates a premature translational stop signal (p.Leu209Tyrfs*22) in the TBL1XR1 gene. It is expected to result in an absent or disrupted protein product.

Literature cited by the submitters: PubMed 23160955; PubMed 26740553; PubMed 27824329.

NM_024665.7(TBL1XR1):c.626_629del (p.Leu209fs)

Gene: TBL1XR1 (TBL1X/Y related 1; minus strand). Cytogenetic location: 3q26.32.
Variant type: Deletion.
Coding change: c.626_629del on transcript NM_024665.7 (MANE Select); coding-DNA positions 626 to 629, 4 bases deleted (TAGT; older notation c.626_629delTAGT).
Protein change: p.Leu209fs; shifts the reading frame from leucine 209.
Molecular consequence: frameshift variant.
Genome position (GRCh38, 1-based): chr3:177,050,070-177,050,073, ACTA deleted on the plus strand (TAGT on the coding strand, the reverse complement: TBL1XR1 is on the minus strand); deleting any 4 consecutive bases within chr3:177,050,070-177,050,076 gives the same sequence; the c. name uses the placement nearest the transcript's 3' end. VCF-style (leftmost placement, unchanged base first): chr3-177050069-TACTA-T. GRCh37 (hg19) VCF-style: chr3-176767857-TACTA-T.
Other names: c.626_629del, p.Leu209fs (NM_001321193.3, NM_001321194.3, NM_001374327.1 and 2 more transcripts); c.365_368del, p.Leu122fs (NM_001321195.3, NM_001374330.1); short protein forms L209fs, L122fs.
Identifiers: ClinVar variation 857363 (VCV000857363.9), dbSNP rs1716848997, ClinGen allele CA916082614.
Genomic context (GRCh38, chr3:177,050,069, plus strand): 5'-AGATGTGACATCCTTGTTGCTTGGAACATCTTGCCCTCCTTCTCGTATACAATGTCTAAG[TACTA>T]ACTGTGTAGAGCCACTGGTGCTGTTCTCACTAAGATTCCATATTCTTGCTGTTGAGTCTC-3'